The following is an entry in ClinVar:

NM_198253.3(TERT):c.1264G>C (p.Ala422Pro)

Gene: TERT (telomerase reverse transcriptase; minus strand). Cytogenetic location: 5p15.33.
Variant type: single nucleotide variant.
Coding change: c.1264G>C on transcript NM_198253.3 (MANE Select); coding-DNA position 1264, G replaced by C.
Protein change: p.Ala422Pro; replaces alanine 422 with proline.
Molecular consequence: missense variant. On other transcripts: non-coding transcript variant (2).
Genome position (GRCh38, 1-based): chr5:1,293,622, C>G on the plus strand (G>C on the coding strand, the complement: TERT is on the minus strand). VCF-style: chr5-1293622-C-G. GRCh37 (hg19) VCF-style: chr5-1293737-C-G.
Other names: c.1264G>C, p.Ala422Pro (NM_001193376.3, NM_003219.1); short protein forms A422P.
Identifiers: ClinVar variation 1763918 (VCV001763918.2), dbSNP rs1298013724, ClinGen allele CA359086410.

ClinVar aggregate classification (germline): Uncertain significance (1 of 4 stars; one submission).

Conditions:
Dyskeratosis congenita. Identifiers: Orphanet 1775, MedGen C0265965, MONDO:0015780.

gnomAD v4.1: 1 of 1,551,786 alleles (0.000064%); highest among the groups gnomAD compares: East Asian, 0.0024%; no homozygotes.

Submission:

Ambry Genetics
Classification: Uncertain significance for Dyskeratosis congenita. Last evaluated: 2022-01-31. Review status: criteria provided, single submitter. Criteria: Ambry Variant Classification Scheme 2023. Collection method: clinical testing. Allele origin: germline.
Comment: The p.A422P variant (also known as c.1264G>C), located in coding exon 2 of the TERT gene, results from a G to C substitution at nucleotide position 1264. The alanine at codon 422 is replaced by proline, an amino acid with highly similar properties. This amino acid position is conserved. In addition, the in silico prediction for this alteration is inconclusive. Since supporting evidence is limited at this time, the clinical significance of this alteration remains unclear.